The following is an entry in ClinVar:

NM_014339.7(IL17RA):c.944-12T>C

Genes: IL17RA (interleukin 17 receptor A; plus strand), LOC129391259 (MPRA-validated peak4440 silencer; plus strand). Cytogenetic location: 22q11.1.
Variant type: single nucleotide variant.
Coding change: c.944-12T>C on transcript NM_014339.7 (MANE Select); 12 bases into the intron before coding-DNA position 944, T replaced by C.
Molecular consequence: intron variant.
Genome position (GRCh38, 1-based): chr22:17,105,841, T>C. VCF-style: chr22-17105841-T-C. GRCh37 (hg19) VCF-style: chr22-17586731-T-C.
Other names: c.943+239T>C (NM_001289905.2).
Identifiers: ClinVar variation 1690877 (VCV001690877.2), dbSNP rs2123807785, ClinGen allele CA2573157541.

ClinVar aggregate classification (germline): Uncertain significance (1 of 4 stars; one submission).

Submission:

Laboratorio de Genetica e Diagnostico Molecular, Hospital Israelita Albert Einstein
Classification: Uncertain significance. Last evaluated: 2020-04-24. Review status: criteria provided, single submitter. Criteria: ACMG Guidelines, 2015. Collection method: clinical testing. Allele origin: germline. Affected: yes.
Comment: ACMG classification criteria: PM2, BP4